The following is an entry in ClinVar:

ClinVar aggregate classification (germline): Benign/Likely benign. Review status: criteria provided, multiple submitters, no conflicts (2 of 4 stars). 9 submissions from 9 submitters: Benign (4); Likely benign (3). 2 of the submissions do not count toward it. Last evaluated 2026-06-03.

Conditions:
Ellis-van Creveld syndrome (EVC). Also called: Chondroectodermal dysplasia; MESOECTODERMAL DYSPLASIA. Identifiers: Orphanet 289, MedGen C0013903, MONDO:0009162, OMIM 225500.
Curry-Hall syndrome (WAD). Also called: WEYERS ACRODENTAL DYSOSTOSIS. Identifiers: Orphanet 952, MedGen C0457013, MONDO:0008673, OMIM 193530.

Allele frequency attached by ClinVar (database versions not stated): gnomAD exomes 0.00231 and 0.00125; 1000 Genomes Project 30x 0.00625; gnomAD 0.00533 and 0.00570; TOPMed 0.00626; ExAC 0.00226; ESP Exome Variant Server 0.00569; 1000 Genomes Project 0.00599.
gnomAD v4.1: 2,733 of 1,612,242 alleles (0.17%); highest among the groups gnomAD compares: Middle Eastern, 2.3%; 25 homozygotes.

Submissions (9):

Women's Health and Genetics/Laboratory Corporation of America, LabCorp
Classification: Likely benign. Last evaluated: 2026-06-03. Review status: criteria provided, single submitter. Criteria: LabCorp Variant Classification Summary - May 2015. Collection method: clinical testing. Allele origin: germline.
Comment: Variant summary: EVC2 c.1730T>C (p.Met577Thr) results in a non-conservative amino acid change in the encoded protein sequence. Algorithms developed to predict the effect of missense changes on protein structure and function all suggest that this variant is likely to be disruptive. The variant allele was found at a frequency of 0.0023 in 251416 control chromosomes, predominantly at a frequency of 0.016 within the African or African-American subpopulation in the gnomAD database, including 5 homozygotes. The observed variant frequency within African or African-American control individuals in the gnomAD database exceeds the estimated maximal expected allele frequency for disease-causing variants in EVC2. To our knowledge, no occurrence of c.1730T>C in individuals affected with EVC2-related conditions and no experimental evidence demonstrating its impact on protein function have been reported. ClinVar contains an entry for this variant (Variation ID: 349080). Based on the evidence outlined above, the variant was classified as likely benign.

Labcorp Genetics (formerly Invitae), Labcorp
Classification: Benign for Curry-Hall syndrome; Ellis-van Creveld syndrome. Last evaluated: 2026-02-04. Review status: criteria provided, single submitter. Criteria: Invitae Variant Classification Sherloc (09022015). Collection method: clinical testing. Allele origin: germline.

ARUP Laboratories, Molecular Genetics and Genomics, ARUP Laboratories
Classification: Benign. Last evaluated: 2023-11-28. Review status: criteria provided, single submitter. Criteria: ARUP Molecular Germline Variant Investigation Process 2024. Collection method: clinical testing. Allele origin: germline.

Illumina Laboratory Services, Illumina
Classification: Benign for Ellis-van Creveld syndrome. Last evaluated: 2018-01-13. Review status: criteria provided, single submitter. Criteria: ICSL Variant Classification Criteria 13 December 2019. Collection method: clinical testing. Allele origin: germline.
Comment: This variant was observed in the ICSL laboratory as part of a predisposition screen in an ostensibly healthy population. It had not been previously curated by ICSL or reported in the Human Gene Mutation Database (HGMD: prior to June 1st, 2018), and was therefore a candidate for classification through an automated scoring system. Utilizing variant allele frequency, disease prevalence and penetrance estimates, and inheritance mode, an automated score was calculated to assess if this variant is too frequent to cause the disease. Based on the score and internal cut-off values, a variant classified as benign is not then subjected to further curation. The score for this variant resulted in a classification of benign for this disease.

GeneDx
Classification: Benign. Last evaluated: 2017-09-07. Review status: criteria provided, single submitter. Criteria: GeneDx Variant Classification (06012015). Collection method: clinical testing. Allele origin: germline. Affected: yes.
Comment: This variant is considered likely benign or benign based on one or more of the following criteria: it is a conservative change, it occurs at a poorly conserved position in the protein, it is predicted to be benign by multiple in silico algorithms, and/or has population frequency not consistent with disease.

Center for Pediatric Genomic Medicine, Children's Mercy Hospital and Clinics
Classification: Likely benign. Last evaluated: 2017-03-20. Review status: criteria provided, single submitter. Criteria: ACMG Guidelines, 2015. Collection method: clinical testing. Allele origin: germline.

Breakthrough Genomics
Classification: Likely benign. Review status: criteria provided, single submitter. Criteria: ACMG Guidelines, 2015. Collection method: not provided. Allele origin: germline. Inheritance: Autosomal recessive inheritance. Affected: yes.

Genome Diagnostics Laboratory, University Medical Center Utrecht
Classification: Benign. Review status: no assertion criteria provided. Collection method: clinical testing. Allele origin: germline. Affected: yes. Study: VKGL Data-share Consensus. Not counted in ClinVar's aggregate classification.

Laboratory of Diagnostic Genome Analysis, Leiden University Medical Center (LUMC)
Classification: Likely benign. Review status: no assertion criteria provided. Collection method: clinical testing. Allele origin: germline. Affected: yes. Study: VKGL Data-share Consensus. Not counted in ClinVar's aggregate classification.

NM_147127.5(EVC2):c.1730T>C (p.Met577Thr)

Gene: EVC2 (EvC ciliary complex subunit 2; minus strand). Cytogenetic location: 4p16.2.
Variant type: single nucleotide variant.
Coding change: c.1730T>C on transcript NM_147127.5 (MANE Select); coding-DNA position 1730, T replaced by C.
Protein change: p.Met577Thr; replaces methionine 577 with threonine.
Molecular consequence: missense variant.
Genome position (GRCh38, 1-based): chr4:5,628,715, A>G on the plus strand (T>C on the coding strand, the complement: EVC2 is on the minus strand). VCF-style: chr4-5628715-A-G. GRCh37 (hg19) VCF-style: chr4-5630442-A-G.
Other names: c.1490T>C, p.Met497Thr (NM_001166136.2); short protein forms M577T, M497T.
Identifiers: ClinVar variation 349080 (VCV000349080.21), dbSNP rs113869406, ClinGen allele CA2834948.